The following is an entry in ClinVar:

ClinVar aggregate classification (germline): Pathogenic. Review status: criteria provided, multiple submitters, no conflicts (2 of 4 stars). 7 submissions from 7 submitters: Pathogenic (6). 1 of the submissions does not count toward it. Last evaluated 2025-05-05.

Conditions:
Haddad syndrome (OHD). Also called: Ondine-Hirschsprung disease. Identifiers: Orphanet 99803, MedGen C1859049, MONDO:0020493.
PHOX2B-related disorder. Also called: PHOX2B-related condition.
Neuroblastoma, susceptibility to, 2. Identifiers: Orphanet 635, MedGen C2751682, MONDO:0700041, OMIM 613013.
Hereditary cancer-predisposing syndrome. Also called: Hereditary Cancer Syndrome; Neoplastic Syndromes, Hereditary; Tumor predisposition; Hereditary neoplastic syndrome. Identifiers: Orphanet 140162, MedGen C0027672, MeSH D009386, MONDO:0015356.

Submissions (7):

Ambry Genetics
Classification: Pathogenic for Hereditary cancer-predisposing syndrome. Last evaluated: 2025-05-05. Review status: criteria provided, single submitter. Criteria: Ambry Variant Classification Scheme 2023. Collection method: clinical testing. Allele origin: germline.
Comment: The c.691_698dupGGCCCGGG pathogenic mutation, located in coding exon 3 of the PHOX2B gene, results from a duplication of GGCCCGGG at nucleotide position 691, causing a translational frameshift with a predicted alternate stop codon (p.G234Afs*78). This alteration occurs at the 3' terminus of thePHOX2B gene, is not expected to trigger nonsense-mediated mRNA decay, and impacts the last 25% of the protein. However, premature stop codons are typically deleterious in nature and a significant portion of the protein is affected (Ambry internal data). This variant was identified in one or more individuals with features consistent with congenital central hypoventilation syndrome (CCHS) (Trochet D et al. Am. J. Hum. Genet., 2005 Mar;76:421-6; Raabe EH et al. Oncogene, 2008 Jan;27:469-76; Heide S et al. Pediatr Blood Cancer, 2016 Jan;63:71-7; Byers HM et al. Am. J. Med. Genet. A, 2018 06;176:1398-1404; Di Lascio S et al. Hum Mutat, 2018 Feb;39:219-236) and segregated with disease in at least one family (Low KJ et al. Pediatr. Pulmonol., 2014 Oct;49:E140-3; Janssen HCJP et al. J Clin Sleep Med, 2018 Aug;14:1427-1430). This variant is considered to be rare based on population cohorts in the Genome Aggregation Database (gnomAD). Based on the supporting evidence, this variant is interpreted as a disease-causing mutation.

Institute for Genomic Medicine (IGM) Clinical Laboratory, Nationwide Children's Hospital
Classification: Pathogenic for Neuroblastoma, susceptibility to, 2. Last evaluated: 2024-05-15. Review status: criteria provided, single submitter. Criteria: ACMG Guidelines, 2015. Collection method: clinical testing. Allele origin: germline.
Comment: This variant is predicted to result in loss of function through nonsense-mediated decay of the encoded transcript or premature truncation of the encoded protein in a gene in which loss of function is a known mechanism of disease (ACMG/AMP: PVS1; PMIDs:15657873, 33958749). This variant has been reported at an elevated frequency in affected individuals/in multiple affected individuals in the literature (ACMG/AMP: PS4; PMIDs:15657873, 17637745, 24799442, 26375764, 25070313, 29696799, 30092902). This variant is absent from or present at an exceedingly low frequency in gnomAD, a large-scale control population database (ACMG/AMP: PM2). This variant has been reported to occur de novo in an affected individual in the literature without parental identity confirmed (ACMG/AMP: PM6; PMIDs:25070313, 29696799). This variant has been shown to segregate with disease in multiple affected family members (ACMG/AMP: PP1_Strong; PMIDs:24799442, 29696799, 30092902).

Daryl Scott Lab, Baylor College of Medicine
Classification: Pathogenic for PHOX2B-related disorder. Last evaluated: 2024-01-01. Review status: criteria provided, single submitter. Criteria: ACMG Guidelines, 2015. Collection method: clinical testing. Allele origin: unknown. Affected: yes. Observed: 1 heterozygote.
Comment: PVS1, PS2, PS4, PM2

GeneDx
Classification: Pathogenic. Last evaluated: 2023-12-27. Review status: criteria provided, single submitter. Criteria: GeneDx Variant Classification Process June 2021. Collection method: clinical testing. Allele origin: germline. Affected: yes.
Comment: Frameshift variant predicted to result in protein truncation, as the last 81 amino acids are replaced with 77 different amino acids, and other loss-of-function variants have been reported downstream in the Human Gene Mutation Database and at GeneDx (HGMD); Not observed at significant frequency in large population cohorts (gnomAD); This variant is associated with the following publications: (PMID: 29696799, 24799442, 15657873, 30092902, 29098737, 17637745, 25975378, 33958749, 34308366, 25070313)

Labcorp Genetics (formerly Invitae), Labcorp
Classification: Pathogenic for Haddad syndrome. Last evaluated: 2022-04-24. Review status: criteria provided, single submitter. Criteria: Invitae Variant Classification Sherloc (09022015). Collection method: clinical testing. Allele origin: germline.
Comment: For these reasons, this variant has been classified as Pathogenic. This variant is also known as 689–696dup8. This premature translational stop signal has been observed in individual(s) with features of congenital central hypoventilation syndrome (PMID: 15657873, 17637745, 26375764, 29696799, 30092902). In at least one individual the variant was observed to be de novo. This variant is not present in population databases (gnomAD no frequency). This sequence change creates a premature translational stop signal (p.Gly234Alafs*78) in the PHOX2B gene. While this is not anticipated to result in nonsense mediated decay, it is expected to disrupt the last 81 amino acid(s) of the PHOX2B protein.

Blueprint Genetics
Classification: Pathogenic for PHOX2B-related disorders. Last evaluated: 2021-03-24. Review status: criteria provided, single submitter. Criteria: ACMG Guidelines, 2015. Collection method: clinical testing. Allele origin: germline. Affected: yes. Observed: 2 variant alleles.

PreventionGenetics, part of Exact Sciences
Classification: Pathogenic for PHOX2B-related condition. Last evaluated: 2024-04-22. Review status: no assertion criteria provided. Collection method: clinical testing. Allele origin: germline. Not counted in ClinVar's aggregate classification.
Comment: The PHOX2B c.691_698dup8 variant is predicted to result in a frameshift and premature protein termination (p.Gly234Alafs*78). This variant has been reported in multiple individuals with congenital central hypoventilation syndrome (CCHS) (Trochet et al. 2005. PubMed ID: 15657873; Low et al 2014. PubMed ID: 24799442; Byers et al 2018. PubMed ID: 29696799). This variant has not been reported in a large population database, and is not reported in the ClinVar database. Frameshift variants in PHOX2B are expected to be pathogenic. This variant is interpreted as pathogenic.

Literature cited by the submitters: PubMed 15657873 (cited by 3 submitters); PubMed 17637745 (cited by 3 submitters); PubMed 24799442 (cited by Ambry Genetics and Institute for Genomic Medicine (IGM) Clinical Laboratory, Nationwide Children's Hospital); PubMed 26375764 (cited by 3 submitters); PubMed 29098737 (cited by Ambry Genetics); PubMed 29696799 (cited by 3 submitters); PubMed 30092902 (cited by 3 submitters); PubMed 33958749 (cited by Institute for Genomic Medicine (IGM) Clinical Laboratory, Nationwide Children's Hospital); PubMed 25070313 (cited by Institute for Genomic Medicine (IGM) Clinical Laboratory, Nationwide Children's Hospital).

NM_003924.4(PHOX2B):c.691_698dup (p.Gly234fs)

Gene: PHOX2B (paired like homeobox 2B; minus strand). Cytogenetic location: 4p13.
Variant type: Microsatellite.
Coding change: c.691_698dup on transcript NM_003924.4 (MANE Select); coding-DNA positions 691 to 698, 8 bases duplicated (GGCCCGGG; older notation c.691_698dupGGCCCGGG).
Protein change: p.Gly234fs; shifts the reading frame from glycine 234.
Molecular consequence: frameshift variant.
Genome position (GRCh38, 1-based): chr4:41,746,054-41,746,061, CCCGGGCC duplicated on the plus strand (GGCCCGGG on the coding strand, the reverse complement: PHOX2B is on the minus strand); duplicating any 8 consecutive bases within chr4:41,746,054-41,746,071 gives the same sequence; the c. name uses the placement nearest the transcript's 3' end. VCF-style (leftmost placement, unchanged base first): chr4-41746053-T-TCCCGGGCC. GRCh37 (hg19) VCF-style: chr4-41748070-T-TCCCGGGCC.
Other names: c.691_698dupGGCCCGGG (NM_003924.3); c.691_698dup (NM_003924.3); c.691_698dup8 (NM_003924.3); short protein forms G234fs.
Identifiers: ClinVar variation 1072410 (VCV001072410.15), dbSNP rs2153112779, ClinGen allele CA913189175.
Genomic context (GRCh38, chr4:41,746,053, plus strand): 5'-CGCCGCCGCCGCTGCCGCGGCCGCCGCCGCTGCTGCTGCGCCGCCCTTGCCGGGTTCGCC[T>TCCCGGGCC]CCCGGGCCCCCGGGCCCCGCCGCCCCCGGAGCTCCAGCCGGGCTGGGCCCGCCGCCGCCG-3'